The following is an entry in ClinVar:

ClinVar aggregate classification (germline): Uncertain significance (1 of 4 stars; one submission).

Conditions:
Cardiovascular phenotype. Identifiers: MedGen CN230736.

gnomAD v4.1: 2 of 1,614,128 alleles (0.00012%); highest among the groups gnomAD compares: Admixed American, 0.0033%; no homozygotes.

Submission:

Ambry Genetics
Classification: Uncertain significance for Cardiovascular phenotype. Last evaluated: 2026-08-29. Review status: criteria provided, single submitter. Criteria: Ambry Variant Classification Scheme 2023. Collection method: clinical testing. Allele origin: germline.
Comment: The p.Q2134R variant (also known as c.6401A>G), located in coding exon 27 of the AKAP9 gene, results from an A to G substitution at nucleotide position 6401. The glutamine at codon 2134 is replaced by arginine, an amino acid with highly similar properties. This amino acid position is conserved. In addition, this alteration is predicted to be tolerated by in silico analysis. Based on the available evidence, the clinical significance of this variant remains unclear.

NM_005751.5(AKAP9):c.6401A>G (p.Gln2134Arg)

Gene: AKAP9 (A-kinase anchoring protein 9; plus strand). Cytogenetic location: 7q21.2.
Variant type: single nucleotide variant.
Coding change: c.6401A>G on transcript NM_005751.5 (MANE Select); coding-DNA position 6401, A replaced by G.
Protein change: p.Gln2134Arg; replaces glutamine 2134 with arginine.
Molecular consequence: missense variant.
Genome position (GRCh38, 1-based): chr7:92,070,100, A>G. VCF-style: chr7-92070100-A-G. GRCh37 (hg19) VCF-style: chr7-91699414-A-G.
Other names: c.1046A>G, p.Gln349Arg (NM_001379277.1); c.6401A>G, p.Gln2134Arg (NM_147185.3); short protein forms Q349R, Q2134R.
Identifiers: ClinVar variation 5034199 (VCV005034199.1).